The following is an entry in ClinVar:

NM_000282.4(PCCA):c.1037A>G (p.Tyr346Cys)

Gene: PCCA (propionyl-CoA carboxylase subunit alpha; plus strand). Cytogenetic location: 13q32.3.
Variant type: single nucleotide variant.
Coding change: c.1037A>G on transcript NM_000282.4 (MANE Select); coding-DNA position 1037, A replaced by G.
Protein change: p.Tyr346Cys; replaces tyrosine 346 with cysteine.
Molecular consequence: missense variant. On other transcripts: non-coding transcript variant (5).
Genome position (GRCh38, 1-based): chr13:100,273,318, A>G. VCF-style: chr13-100273318-A-G. GRCh37 (hg19) VCF-style: chr13-100925572-A-G.
Other names: c.959A>G, p.Tyr320Cys (NM_001127692.3, NM_001352607.2, NM_001352608.2); c.1037A>G, p.Tyr346Cys (NM_001178004.2, NM_001352605.2, NM_001352606.2 and 1 more transcripts); c.92A>G, p.Tyr31Cys (NM_001352610.2, NM_001352611.2, NM_001352612.2); c.1037A>G (NM_000282.3); short protein forms Y346C, Y31C, Y320C.
Identifiers: ClinVar variation 1441505 (VCV001441505.6), dbSNP rs542465356, ClinGen allele CA255984124.

ClinVar aggregate classification (germline): Uncertain significance. Review status: criteria provided, multiple submitters, no conflicts (2 of 4 stars). 3 submissions from 3 submitters: Uncertain significance (3). Last evaluated 2025-04-21.

Conditions:
Propionic acidemia (PROP). Also called: GLYCINEMIA, KETOTIC; HYPERGLYCINEMIA WITH KETOACIDOSIS AND LEUKOPENIA; KETOTIC HYPERGLYCINEMIA. Identifiers: Orphanet 35, MedGen C0268579, MONDO:0011628, OMIM 606054, HP:0003571.
Inborn genetic diseases. Identifiers: MedGen C0950123, MeSH D030342.

Allele frequency attached by ClinVar (database versions not stated): gnomAD exomes below 0.00001; TOPMed below 0.00001.
gnomAD v4.1: 6 of 1,613,092 alleles (0.00037%); highest among the groups gnomAD compares: South Asian, 0.0044%; no homozygotes.

Submissions (3):

Ambry Genetics
Classification: Uncertain significance for Inborn genetic diseases. Last evaluated: 2025-04-21. Review status: criteria provided, single submitter. Criteria: Ambry Variant Classification Scheme 2023. Collection method: clinical testing. Allele origin: germline.

Labcorp Genetics (formerly Invitae), Labcorp
Classification: Uncertain significance for Propionic acidemia. Last evaluated: 2021-10-03. Review status: criteria provided, single submitter. Criteria: Invitae Variant Classification Sherloc (09022015). Collection method: clinical testing. Allele origin: germline.
Comment: This sequence change replaces tyrosine with cysteine at codon 346 of the PCCA protein (p.Tyr346Cys). The tyrosine residue is highly conserved and there is a large physicochemical difference between tyrosine and cysteine. This variant is not present in population databases (ExAC no frequency). This variant has not been reported in the literature in individuals affected with PCCA-related conditions. Advanced modeling of protein sequence and biophysical properties (such as structural, functional, and spatial information, amino acid conservation, physicochemical variation, residue mobility, and thermodynamic stability) performed at Invitae indicates that this missense variant is expected to disrupt PCCA protein function. In summary, the available evidence is currently insufficient to determine the role of this variant in disease. Therefore, it has been classified as a Variant of Uncertain Significance.

Revvity Omics, Revvity
Classification: Uncertain significance for Propionic acidemia. Last evaluated: 2021-07-29. Review status: criteria provided, single submitter. Criteria: ACMG Guidelines, 2015. Collection method: clinical testing. Allele origin: germline.